The following is an entry in ClinVar:

ClinVar aggregate classification (germline): Benign. Review status: criteria provided, multiple submitters, no conflicts (2 of 4 stars). 3 submissions from 3 submitters: Benign (3). Last evaluated 2026-02-02.

Conditions:
Koolen-de Vries syndrome (KDVS). Identifiers: Orphanet 96169, MedGen C1864871, MONDO:0012496, OMIM 610443.

Allele frequency attached by ClinVar (database versions not stated): gnomAD exomes 0.00009 and 0.00021; ExAC 0.00032; gnomAD 0.00084 and 0.00091; ESP Exome Variant Server 0.00108; TOPMed 0.00123; 1000 Genomes Project 0.00160; 1000 Genomes Project 30x 0.00187.
gnomAD v4.1: 264 of 1,610,380 alleles (0.016%); highest among the groups gnomAD compares: African/African-American, 0.31%; no homozygotes.

Submissions (3):

Labcorp Genetics (formerly Invitae), Labcorp
Classification: Benign for Koolen-de Vries syndrome. Last evaluated: 2026-02-02. Review status: criteria provided, single submitter. Criteria: Invitae Variant Classification Sherloc (09022015). Collection method: clinical testing. Allele origin: germline.

Mayo Clinic Laboratories, Mayo Clinic
Classification: Benign. Last evaluated: 2021-01-04. Review status: criteria provided, single submitter. Criteria: ACMG Guidelines, 2015. Collection method: clinical testing. Allele origin: germline. Observed: 2 variant alleles.

GeneDx
Classification: Benign. Last evaluated: 2014-02-19. Review status: criteria provided, single submitter. Criteria: GeneDx Variant Classification (06012015). Collection method: clinical testing. Allele origin: germline. Affected: yes.
Comment: This variant is considered likely benign or benign based on one or more of the following criteria: it is a conservative change, it occurs at a poorly conserved position in the protein, it is predicted to be benign by multiple in silico algorithms, and/or has population frequency not consistent with disease.

NM_015443.4(KANSL1):c.2949C>T (p.Tyr983=)

Gene: KANSL1 (KAT8 regulatory NSL complex subunit 1). Cytogenetic location: 17q21.31.
Variant type: single nucleotide variant.
Coding change: c.2949C>T on transcript NM_015443.4 (MANE Select); coding-DNA position 2949, C replaced by T.
Protein change: p.Tyr983=; no amino-acid change (tyrosine 983 retained).
Molecular consequence: synonymous variant.
Genome position (GRCh38, 1-based): chr17:46,032,188, G>A on the plus strand (C>T on the coding strand, the complement: KANSL1 is on the minus strand). VCF-style: chr17-46032188-G-A. GRCh37 (hg19) VCF-style: chr17-44109554-G-A.
Other names: p.Y983Y:TAC>TAT; p.Tyr983=; c.2946C>T, p.Tyr982= (NM_001193465.2); c.2949C>T, p.Tyr983= (NM_001193466.2, NM_001379198.1).
Identifiers: ClinVar variation 137971 (VCV000137971.13), dbSNP rs146848167, ClinGen allele CA291709.